The following is an entry in ClinVar:

ClinVar aggregate classification (germline): Likely pathogenic (1 of 4 stars; one submission).

Conditions:
Hermansky-Pudlak syndrome (HPS). Also called: ALBINISM WITH HEMORRHAGIC DIATHESIS AND PIGMENTED RETICULOENDOTHELIAL CELLS. Identifiers: Orphanet 79430, MedGen C0079504, MONDO:0019312.

Submission:

Natera, Inc.
Classification: Likely pathogenic for Hermansky-Pudlak syndrome. Last evaluated: 2025-04-15. Review status: criteria provided, single submitter. Criteria: Natera Variant Classification Schema (03/2026). Collection method: clinical testing. Allele origin: germline.
Comment: The c.726_742del variant in HPS3 is a frameshift variant predicted to shift the reading frame beginning at codon 242 and leads to a stop codon 3 codons downstream. This variant is expected to result in nonsense mediated decay, truncation, or a dysfunctional protein product. This variant is rare in the general population with a frequency below the threshold expected for the associated phenotype(s). Given the available evidence, this variant is classified as Likely Pathogenic.

NM_032383.5(HPS3):c.726_742del (p.Glu242fs)

Gene: HPS3 (HPS3 biogenesis of lysosomal organelles complex 2 subunit 1; plus strand). Cytogenetic location: 3q24.
Variant type: Deletion.
Coding change: c.726_742del on transcript NM_032383.5 (MANE Select); coding-DNA positions 726 to 742, 17 bases deleted (AATTTCACAGCTTGAGT).
Protein change: p.Glu242fs; shifts the reading frame from glutamic acid 242.
Molecular consequence: frameshift variant.
Genome position (GRCh38, 1-based): chr3:149,141,030-149,141,046, AATTTCACAGCTTGAGT deleted. VCF-style (leftmost placement, unchanged base first): chr3-149141029-AAATTTCACAGCTTGAGT-A. GRCh37 (hg19) VCF-style: chr3-148858816-AAATTTCACAGCTTGAGT-A.
Other names: c.231_247del, p.Glu77fs (NM_001308258.2); short protein forms E242fs, E77fs.
Identifiers: ClinVar variation 4069456 (VCV004069456.2).